The following is an entry in ClinVar:

NM_001166108.2(PALLD):c.2804G>T (p.Gly935Val)

Genes: CBR4 (carbonyl reductase 4; minus strand), PALLD (palladin, cytoskeletal associated protein; plus strand). Cytogenetic location: 4q32.3.
Variant type: single nucleotide variant.
Coding change: c.2804G>T on transcript NM_001166108.2 (MANE Select); coding-DNA position 2804, G replaced by T.
Protein change: p.Gly935Val; replaces glycine 935 with valine.
Molecular consequence: missense variant.
Genome position (GRCh38, 1-based): chr4:168,915,981, G>T. VCF-style: chr4-168915981-G-T. GRCh37 (hg19) VCF-style: chr4-169837132-G-T.
Other names: c.1607G>T, p.Gly536Val (NM_001166109.2); c.1292G>T, p.Gly431Val (NM_001166110.2); c.632G>T, p.Gly211Val (NM_001367567.1, NM_001367569.1); c.683G>T, p.Gly228Val (NM_001367568.1, NM_001367570.1); c.2753G>T, p.Gly918Val (NM_016081.4); short protein forms G211V, G228V, G431V, G536V, G918V, G935V.
Identifiers: ClinVar variation 1059769 (VCV001059769.9), dbSNP rs2151424408, ClinGen allele CA358706832.

ClinVar aggregate classification (germline): Uncertain significance (1 of 4 stars; one submission).

Conditions:
Pancreatic adenocarcinoma. Identifiers: MedGen C0281361, MONDO:0006047, HP:0006725.

Submission:

Labcorp Genetics (formerly Invitae), Labcorp
Classification: Uncertain significance for Pancreatic adenocarcinoma. Last evaluated: 2020-09-17. Review status: criteria provided, single submitter. Criteria: Invitae Variant Classification Sherloc (09022015). Collection method: clinical testing. Allele origin: germline.
Comment: In summary, the available evidence is currently insufficient to determine the role of this variant in disease. Therefore, it has been classified as a Variant of Uncertain Significance. Algorithms developed to predict the effect of missense changes on protein structure and function (SIFT, PolyPhen-2, Align-GVGD) all suggest that this variant is likely to be disruptive, but these predictions have not been confirmed by published functional studies and their clinical significance is uncertain. This variant has not been reported in the literature in individuals with PALLD-related conditions. This variant is not present in population databases (ExAC no frequency). This sequence change replaces glycine with valine at codon 431 of the PALLD protein (p.Gly431Val). The glycine residue is highly conserved and there is a moderate physicochemical difference between glycine and valine.